The following is an entry in ClinVar:

NM_001378120.1(MBD5):c.1072C>T (p.Leu358Phe)

Gene: MBD5 (methyl-CpG binding domain protein 5; plus strand). Cytogenetic location: 2q23.1.
Variant type: single nucleotide variant.
Coding change: c.1072C>T on transcript NM_001378120.1 (MANE Select); coding-DNA position 1072, C replaced by T.
Protein change: p.Leu358Phe; replaces leucine 358 with phenylalanine.
Molecular consequence: missense variant.
Genome position (GRCh38, 1-based): chr2:148,469,015, C>T. VCF-style: chr2-148469015-C-T. GRCh37 (hg19) VCF-style: chr2-149226584-C-T.
Other names: c.1072C>T, p.Leu358Phe (NM_018328.5); short protein forms L358F.
Identifiers: ClinVar variation 3703753 (VCV003703753.2).

ClinVar aggregate classification (germline): Uncertain significance (1 of 4 stars; one submission).

Conditions:
Intellectual developmental disorder, autosomal dominant 1. Also called: MBD5 Haploinsufficiency; Intellectual disability, autosomal dominant 1. Identifiers: Orphanet 228402, MedGen C1969562, MONDO:0007974, OMIM 156200.

gnomAD v4.1: 1 of 1,613,934 alleles (0.000062%); highest among the groups gnomAD compares: Non-Finnish European, 0.000085%; no homozygotes.

Submission:

Labcorp Genetics (formerly Invitae), Labcorp
Classification: Uncertain significance for Intellectual developmental disorder, autosomal dominant 1. Last evaluated: 2024-12-15. Review status: criteria provided, single submitter. Criteria: Invitae Variant Classification Sherloc (09022015). Collection method: clinical testing. Allele origin: germline.
Comment: This sequence change replaces leucine, which is neutral and non-polar, with phenylalanine, which is neutral and non-polar, at codon 358 of the MBD5 protein (p.Leu358Phe). This variant is not present in population databases (gnomAD no frequency). This variant has not been reported in the literature in individuals affected with MBD5-related conditions. Invitae Evidence Modeling of protein sequence and biophysical properties (such as structural, functional, and spatial information, amino acid conservation, physicochemical variation, residue mobility, and thermodynamic stability) has been performed for this missense variant. However, the output from this modeling did not meet the statistical confidence thresholds required to predict the impact of this variant on MBD5 protein function. In summary, the available evidence is currently insufficient to determine the role of this variant in disease. Therefore, it has been classified as a Variant of Uncertain Significance.